The following is an entry in ClinVar:

NM_022132.5(MCCC2):c.129G>A (p.Gln43=)

Gene: MCCC2 (methylcrotonyl-CoA carboxylase subunit 2; plus strand). Cytogenetic location: 5q13.2.
Variant type: single nucleotide variant.
Coding change: c.129G>A on transcript NM_022132.5 (MANE Select); coding-DNA position 129, G replaced by A.
Protein change: p.Gln43=; no amino-acid change (glutamine 43 retained).
Molecular consequence: synonymous variant.
Genome position (GRCh38, 1-based): chr5:71,587,554, G>A. VCF-style: chr5-71587554-G-A. GRCh37 (hg19) VCF-style: chr5-70883381-G-A.
Other names: c.129G>A, p.Gln43= (NM_001363147.1).
Identifiers: ClinVar variation 661294 (VCV000661294.7), dbSNP rs1580262388, ClinGen allele CA444799811.

ClinVar aggregate classification (germline): Uncertain significance (1 of 4 stars; one submission).

Conditions:
3-methylcrotonyl-CoA carboxylase 2 deficiency. Also called: METHYLCROTONYLGLYCINURIA, TYPE II; 3 alpha methylcrotonyl-CoA carboxylase 2 deficiency; 3 alpha methylcrotonylglycinuria 2; MCC 2 deficiency; Methylcrotonylglycinuria type 2. Identifiers: Orphanet 6, MedGen C1859499, MONDO:0008862, OMIM 210210.

Allele frequency attached by ClinVar (database versions not stated): gnomAD exomes below 0.00001.
gnomAD v4.1: 2 of 1,535,166 alleles (0.00013%); highest among the groups gnomAD compares: Non-Finnish European, 0.00017%; no homozygotes.

Submission:

Labcorp Genetics (formerly Invitae), Labcorp
Classification: Uncertain significance for 3-methylcrotonyl-CoA carboxylase 2 deficiency. Last evaluated: 2022-02-03. Review status: criteria provided, single submitter. Criteria: Invitae Variant Classification Sherloc (09022015). Collection method: clinical testing. Allele origin: germline.
Comment: This sequence change affects codon 43 of the MCCC2 mRNA. It is a 'silent' change, meaning that it does not change the encoded amino acid sequence of the MCCC2 protein. This variant also falls at the last nucleotide of exon 1, which is part of the consensus splice site for this exon. This variant is not present in population databases (gnomAD no frequency). In summary, the available evidence is currently insufficient to determine the role of this variant in disease. Therefore, it has been classified as a Variant of Uncertain Significance. Variants that disrupt the consensus splice site are a relatively common cause of aberrant splicing (PMID: 17576681, 9536098). Algorithms developed to predict the effect of sequence changes on RNA splicing suggest that this variant may disrupt the consensus splice site. ClinVar contains an entry for this variant (Variation ID: 661294). This variant has not been reported in the literature in individuals affected with MCCC2-related conditions.

Literature cited by the submitters: PubMed 17576681; PubMed 9536098.